The following is an entry in ClinVar:

NM_001711.6(BGN):c.1027C>A (p.Pro343Thr)

Gene: BGN (biglycan; plus strand). Cytogenetic location: Xq28.
Variant type: single nucleotide variant.
Coding change: c.1027C>A on transcript NM_001711.6 (MANE Select); coding-DNA position 1027, C replaced by A.
Protein change: p.Pro343Thr; replaces proline 343 with threonine.
Molecular consequence: missense variant.
Genome position (GRCh38, 1-based): chrX:153,508,365, C>A. VCF-style: chrX-153508365-C-A. GRCh37 (hg19) VCF-style: chrX-152773823-C-A.
Other names: short protein forms P343T.
Identifiers: ClinVar variation 3260839 (VCV003260839.1).

ClinVar aggregate classification (germline): Uncertain significance (1 of 4 stars; one submission).

Conditions:
Cardiovascular phenotype. Identifiers: MedGen CN230736.

gnomAD v4.1: 2 of 1,212,303 alleles (0.00016%); highest among the groups gnomAD compares: Admixed American, 0.0022%; no homozygotes.

Submission:

Ambry Genetics
Classification: Uncertain significance for Cardiovascular phenotype. Last evaluated: 2024-05-07. Review status: criteria provided, single submitter. Criteria: Ambry Variant Classification Scheme 2023. Collection method: clinical testing. Allele origin: germline.
Comment: The p.P343T variant (also known as c.1027C>A), located in coding exon 7 of the BGN gene, results from a C to A substitution at nucleotide position 1027. The proline at codon 343 is replaced by threonine, an amino acid with highly similar properties. This amino acid position is conserved. In addition, this alteration is predicted to be tolerated by in silico analysis. Based on the available evidence, the clinical significance of this variant remains unclear.